The following is an entry in ClinVar:

ClinVar aggregate classification (germline): Likely benign. Review status: criteria provided, multiple submitters, no conflicts (2 of 4 stars). 4 submissions from 4 submitters: Likely benign (4). Last evaluated 2025-11-01.

Allele frequency attached by ClinVar (database versions not stated): TOPMed 0.00002; gnomAD exomes 0.00003 and 0.00005; ExAC 0.00004; gnomAD 0.00005 and 0.00006.
gnomAD v4.1: 77 of 1,613,134 alleles (0.0048%); highest among the groups gnomAD compares: African/African-American, 0.0067%; no homozygotes.

Submissions (4):

CeGaT Center for Human Genetics Tuebingen
Classification: Likely benign. Last evaluated: 2025-11-01. Review status: criteria provided, single submitter. Criteria: CeGaT Center For Human Genetics Tuebingen Variant Classification Criteria Version 2. Collection method: clinical testing. Allele origin: germline. Affected: yes. Observed: 1 variant allele.
Comment: ESPN: BP4, BP7

Labcorp Genetics (formerly Invitae), Labcorp
Classification: Likely benign. Last evaluated: 2024-12-31. Review status: criteria provided, single submitter. Criteria: Invitae Variant Classification Sherloc (09022015). Collection method: clinical testing. Allele origin: germline.

Blueprint Genetics
Classification: Likely benign. Last evaluated: 2023-04-13. Review status: criteria provided, single submitter. Criteria: ACMG Guidelines, 2015. Collection method: clinical testing. Allele origin: germline.

GeneDx
Classification: Likely benign. Last evaluated: 2019-01-30. Review status: criteria provided, single submitter. Criteria: GeneDx Variant Classification Process June 2021. Collection method: clinical testing. Allele origin: germline. Affected: yes.

NM_031475.3(ESPN):c.1959G>A (p.Ser653=)

Gene: ESPN (espin; plus strand). Cytogenetic location: 1p36.31.
Variant type: single nucleotide variant.
Coding change: c.1959G>A on transcript NM_031475.3 (MANE Select); coding-DNA position 1959, G replaced by A.
Protein change: p.Ser653=; no amino-acid change (serine 653 retained).
Molecular consequence: synonymous variant.
Genome position (GRCh38, 1-based): chr1:6,451,646, G>A. VCF-style: chr1-6451646-G-A. GRCh37 (hg19) VCF-style: chr1-6511706-G-A.
Other names: c.1869G>A, p.Ser623= (NM_001367473.1); c.1896G>A, p.Ser632= (NM_001367474.1).
Identifiers: ClinVar variation 1223488 (VCV001223488.12), dbSNP rs376529678, ClinGen allele CA560330.